The following is an entry in ClinVar:

NM_014844.5(TECPR2):c.1606G>A (p.Gly536Ser)

Gene: TECPR2 (tectonin beta-propeller repeat containing 2; plus strand). Cytogenetic location: 14q32.31.
Variant type: single nucleotide variant.
Coding change: c.1606G>A on transcript NM_014844.5 (MANE Select); coding-DNA position 1606, G replaced by A.
Protein change: p.Gly536Ser; replaces glycine 536 with serine.
Molecular consequence: missense variant.
Genome position (GRCh38, 1-based): chr14:102,434,423, G>A. VCF-style: chr14-102434423-G-A. GRCh37 (hg19) VCF-style: chr14-102900760-G-A.
Other names: p.Gly536Ser; c.1606G>A, p.Gly536Ser (NM_001172631.3); short protein forms G536S.
Identifiers: ClinVar variation 473089 (VCV000473089.32), dbSNP rs186595127, ClinGen allele CA7357756.
Genomic context (GRCh38, chr14:102,434,423, plus strand): 5'-GTGGATCAGTTAAGTGCAGAGTCTCCAGACCAGGAAAGCAGCTTCAATGGTGAAGTGAAC[G>A]GTGTCCCACAGGAAAATACTGACCCCGAAACGTTTAATGTCCTGGAGGTGTCAGGATCAA-3'
Protein context (NP_055659.2, residues 526-546): QESSFNGEVN[Gly536Ser]VPQENTDPET

ClinVar aggregate classification (germline): Uncertain significance. Review status: criteria provided, multiple submitters, no conflicts (2 of 4 stars). 6 submissions from 6 submitters: Uncertain significance (6). Last evaluated 2025-09-05.

Conditions:
Inborn genetic diseases. Identifiers: MedGen C0950123, MeSH D030342.
Hereditary spastic paraplegia 49 (HSAN9). Also called: Spastic paraplegia 49, autosomal recessive; TECPR2-Related Hereditary Sensory and Autonomic Neuropathy with Intellectual Disability; NEUROPATHY, HEREDITARY SENSORY AND AUTONOMIC, TYPE IX, WITH DEVELOPMENTAL DELAY. Identifiers: Orphanet 320385, MedGen C5190860, MONDO:0014016, OMIM 615031.
Hereditary spastic paraplegia. Also called: Familial spastic paraparesis. Identifiers: Orphanet 685, MedGen C0037773, MONDO:0019064. Disease mechanism: loss of function.

Allele frequency attached by ClinVar (database versions not stated): TOPMed 0.00012; ESP Exome Variant Server 0.00031.
gnomAD v4.1: 149 of 1,530,506 alleles (0.0097%); highest among the groups gnomAD compares: Middle Eastern, 0.018%; no homozygotes.

Submissions (6):

Labcorp Genetics (formerly Invitae), Labcorp
Classification: Uncertain significance for Hereditary spastic paraplegia 49. Last evaluated: 2025-09-05. Review status: criteria provided, single submitter. Criteria: Invitae Variant Classification Sherloc (09022015). Collection method: clinical testing. Allele origin: germline.
Comment: This sequence change replaces glycine, which is neutral and non-polar, with serine, which is neutral and polar, at codon 536 of the TECPR2 protein (p.Gly536Ser). This variant is present in population databases (rs186595127, gnomAD 0.02%). This variant has not been reported in the literature in individuals affected with TECPR2-related conditions. ClinVar contains an entry for this variant (Variation ID: 473089). An algorithm developed to predict the effect of missense changes on protein structure and function outputs the following: PolyPhen-2: "Benign". The serine amino acid residue is found in multiple mammalian species, which suggests that this missense change does not adversely affect protein function. In summary, the available evidence is currently insufficient to determine the role of this variant in disease. Therefore, it has been classified as a Variant of Uncertain Significance.

Mayo Clinic Laboratories, Mayo Clinic
Classification: Uncertain significance. Last evaluated: 2024-06-07. Review status: criteria provided, single submitter. Criteria: ACMG Guidelines, 2015. Collection method: clinical testing. Allele origin: germline. Observed: 1 variant allele.
Comment: BP4, PM2

CeGaT Center for Human Genetics Tuebingen
Classification: Uncertain significance. Last evaluated: 2024-02-01. Review status: criteria provided, single submitter. Criteria: CeGaT Center For Human Genetics Tuebingen Variant Classification Criteria Version 2. Collection method: clinical testing. Allele origin: germline. Affected: yes. Observed: 1 variant allele.
Comment: TECPR2: PM2, BP4

Ambry Genetics
Classification: Uncertain significance for Inborn genetic diseases. Last evaluated: 2022-04-13. Review status: criteria provided, single submitter. Criteria: Ambry Variant Classification Scheme 2023. Collection method: clinical testing. Allele origin: germline.

GeneDx
Classification: Uncertain significance. Last evaluated: 2021-06-25. Review status: criteria provided, single submitter. Criteria: GeneDx Variant Classification Process June 2021. Collection method: clinical testing. Allele origin: germline. Affected: yes.
Comment: Not observed at significant frequency in large population cohorts (Lek et al., 2016); In silico analysis supports that this missense variant does not alter protein structure/function; Has not been previously published as pathogenic or benign to our knowledge; This variant is associated with the following publications: (PMID: 27535533, 26542466)

Genome Diagnostics Laboratory, The Hospital for Sick Children
Classification: Uncertain significance for Hereditary spastic paraplegia. Last evaluated: 2020-02-01. Review status: criteria provided, single submitter. Criteria: ACMG Guidelines, 2015. Collection method: clinical testing. Allele origin: germline. Affected: yes.